The following is an entry in ClinVar:

ClinVar aggregate classification (germline): Likely benign (1 of 4 stars; one submission).

Conditions:
MLIP-related disorder. Also called: MLIP-related condition.

gnomAD v4.1: 108 of 1,536,052 alleles (0.007%); highest among the groups gnomAD compares: Admixed American, 0.0098%; no homozygotes.

Submission:

PreventionGenetics, part of Exact Sciences
Classification: Likely benign for MLIP-related condition. Last evaluated: 2026-01-07. Review status: criteria provided, single submitter. Criteria: ACMG Guidelines, 2015. Collection method: clinical testing. Allele origin: germline.
Comment: This variant is classified as likely benign based on ACMG/AMP sequence variant interpretation guidelines (Richards et al. 2015 PMID: 25741868, with internal and published modifications).

NM_001281747.2(MLIP):c.2004C>T (p.Pro668=)

Gene: MLIP (muscular LMNA interacting protein; plus strand). Cytogenetic location: 6p12.1.
Variant type: single nucleotide variant.
Coding change: c.2004C>T on transcript NM_001281747.2 (MANE Select); coding-DNA position 2004, C replaced by T.
Protein change: p.Pro668=; no amino-acid change (proline 668 retained).
Molecular consequence: synonymous variant. On other transcripts: intron variant (1).
Genome position (GRCh38, 1-based): chr6:54,138,073, C>T. VCF-style: chr6-54138073-C-T. GRCh37 (hg19) VCF-style: chr6-54002871-C-T.
Other names: c.1971C>T, p.Pro657= (NM_001281746.2); c.613-10983C>T (NM_138569.3).
Identifiers: ClinVar variation 4978221 (VCV004978221.1).